The following is an entry in ClinVar:

NM_153704.6(TMEM67):c.1287A>G (p.Gln429=)

Gene: TMEM67 (transmembrane protein 67; plus strand). Cytogenetic location: 8q22.1.
Variant type: single nucleotide variant.
Coding change: c.1287A>G on transcript NM_153704.6 (MANE Select); coding-DNA position 1287, A replaced by G.
Protein change: p.Gln429=; no amino-acid change (glutamine 429 retained).
Molecular consequence: synonymous variant. On other transcripts: non-coding transcript variant (1).
Genome position (GRCh38, 1-based): chr8:93,785,377, A>G. VCF-style: chr8-93785377-A-G. GRCh37 (hg19) VCF-style: chr8-94797605-A-G.
Other names: c.1044A>G, p.Gln348= (NM_001142301.1).
Identifiers: ClinVar variation 2024101 (VCV002024101.1), dbSNP rs2536860814, ClinGen allele CA461858234.

ClinVar aggregate classification (germline): Uncertain significance (1 of 4 stars; one submission).

Conditions:
Joubert syndrome. Also called: CEREBELLOPARENCHYMAL DISORDER IV; JOUBERT-BOLTSHAUSER SYNDROME; Familial aplasia of the vermis. Identifiers: Orphanet 475, MedGen C5979921, MONDO:0018772.
Meckel-Gruber syndrome. Also called: DYSENCEPHALIA SPLANCHNOCYSTICA; GRUBER SYNDROME; Dysencephalia splachnocystica. Identifiers: Orphanet 564, MedGen C0265215, MONDO:0018921.

Submission:

Labcorp Genetics (formerly Invitae), Labcorp
Classification: Uncertain significance for Joubert syndrome; Meckel-Gruber syndrome. Last evaluated: 2022-08-13. Review status: criteria provided, single submitter. Criteria: Invitae Variant Classification Sherloc (09022015). Collection method: clinical testing. Allele origin: germline.
Comment: This sequence change affects codon 429 of the TMEM67 mRNA. It is a 'silent' change, meaning that it does not change the encoded amino acid sequence of the TMEM67 protein. It affects a nucleotide within the consensus splice site. This variant is not present in population databases (gnomAD no frequency). This variant has not been reported in the literature in individuals affected with TMEM67-related conditions. Algorithms developed to predict the effect of sequence changes on RNA splicing suggest that this variant is not likely to affect RNA splicing. In summary, the available evidence is currently insufficient to determine the role of this variant in disease. Therefore, it has been classified as a Variant of Uncertain Significance.